The following is an entry in ClinVar:

ClinVar aggregate classification (germline): Uncertain significance (1 of 4 stars; one submission).

Conditions:
Hereditary cancer-predisposing syndrome. Also called: Neoplastic Syndromes, Hereditary; Tumor predisposition; Hereditary Cancer Syndrome; Hereditary neoplastic syndrome. Identifiers: Orphanet 140162, MedGen C0027672, MeSH D009386, MONDO:0015356.

Submission:

Ambry Genetics
Classification: Uncertain significance for Hereditary cancer-predisposing syndrome. Last evaluated: 2024-12-19. Review status: criteria provided, single submitter. Criteria: Ambry Variant Classification Scheme 2023. Collection method: clinical testing. Allele origin: germline.
Comment: The p.Y752D variant (also known as c.2254T>G), located in coding exon 12 of the RET gene, results from a T to G substitution at nucleotide position 2254. The tyrosine at codon 752 is replaced by aspartic acid, an amino acid with highly dissimilar properties. This amino acid position is well conserved in available vertebrate species. In addition, this alteration is predicted to be deleterious by in silico analysis. Based on the available evidence, the clinical significance of this variant remains unclear.

NM_020975.6(RET):c.2254T>G (p.Tyr752Asp)

Gene: RET (ret proto-oncogene; plus strand). Cytogenetic location: 10q11.21.
Variant type: single nucleotide variant.
Coding change: c.2254T>G on transcript NM_020975.6 (MANE Select); coding-DNA position 2254, T replaced by G.
Protein change: p.Tyr752Asp; replaces tyrosine 752 with aspartic acid.
Molecular consequence: missense variant.
Genome position (GRCh38, 1-based): chr10:43,116,701, T>G. VCF-style: chr10-43116701-T-G. GRCh37 (hg19) VCF-style: chr10-43612149-T-G.
Other names: c.2254T>G, p.Tyr752Asp (NM_000323.2, NM_001406743.1, NM_001406744.1 and 4 more transcripts); c.1492T>G, p.Tyr498Asp (NM_001355216.2); c.2125T>G, p.Tyr709Asp (NM_001406761.1, NM_001406762.1, NM_001406764.1); c.2119T>G, p.Tyr707Asp (NM_001406763.1, NM_001406765.1); c.1966T>G, p.Tyr656Asp (NM_001406766.1, NM_001406767.1, NM_001406770.1); c.1990T>G, p.Tyr664Asp (NM_001406768.1); c.1858T>G, p.Tyr620Asp (NM_001406769.1, NM_001406772.1); c.1816T>G, p.Tyr606Asp (NM_001406771.1, NM_001406773.1); and 10 more; short protein forms Y498D, Y752D, Y357D, Y453D, Y606D, Y269D, Y413D, Y510D.
Identifiers: ClinVar variation 820972 (VCV000820972.7), dbSNP rs984978805, ClinGen allele CA376554780.